The following is an entry in ClinVar:

NM_194318.4(B3GLCT):c.1184+3A>G

Gene: B3GLCT (beta 3-glucosyltransferase; plus strand). Cytogenetic location: 13q12.3.
Variant type: single nucleotide variant.
Coding change: c.1184+3A>G on transcript NM_194318.4 (MANE Select); 3 bases into the intron after coding-DNA position 1184, A replaced by G.
Molecular consequence: intron variant.
Genome position (GRCh38, 1-based): chr13:31,317,688, A>G. VCF-style: chr13-31317688-A-G. GRCh37 (hg19) VCF-style: chr13-31891825-A-G.
Identifiers: ClinVar variation 988082 (VCV000988082.3), dbSNP rs1338898111, ClinGen allele CA609332746.

ClinVar aggregate classification (germline): Conflicting classifications of pathogenicity. Review status: criteria provided, conflicting classifications (1 of 4 stars). 2 submissions from 2 submitters: Likely pathogenic (1); Uncertain significance (1). Last evaluated 2025-08-12.

Conditions:
Peters plus syndrome. Also called: KRAUSE-KIVLIN SYNDROME. Identifiers: Orphanet 709, MedGen C0796012, MONDO:0009856, OMIM 261540.

Allele frequency attached by ClinVar (database versions not stated): gnomAD exomes below 0.00001 and 0.00001; gnomAD 0.00001; TOPMed 0.00001.

Submissions (2):

Institute of Human Genetics, Heidelberg University
Classification: Likely pathogenic for Peters plus syndrome. Last evaluated: 2025-08-12. Review status: criteria provided, single submitter. Criteria: ACMG Guidelines, 2015. Collection method: clinical testing. Allele origin: paternal. Affected: yes. Observed: 2 variant alleles.
Comment: PM3_STR, PM2_SUP, PP3

Genetics Department, University Hospital of Toulouse
Classification: Uncertain significance for Peters plus syndrome. Last evaluated: 2020-11-26. Review status: criteria provided, single submitter. Criteria: ACMG Guidelines, 2015. Collection method: clinical testing. Allele origin: germline. Affected: yes. Observed: 1 variant allele.
Comment: PM2, PP3